The following is an entry in ClinVar:

ClinVar aggregate classification (germline): Uncertain significance (1 of 4 stars; one submission).

Allele frequency attached by ClinVar (database versions not stated): TOPMed below 0.00001.

Submission:

Ambry Genetics
Classification: Uncertain significance. Last evaluated: 2021-10-26. Review status: criteria provided, single submitter. Criteria: Ambry Variant Classification Scheme 2023. Collection method: clinical testing. Allele origin: germline.
Comment: The p.D648Y variant (also known as c.1942G>T), located in coding exon 3 of the ALPK2 gene, results from a G to T substitution at nucleotide position 1942. The aspartic acid at codon 648 is replaced by tyrosine, an amino acid with highly dissimilar properties. This amino acid position is conserved. In addition, this alteration is predicted to be tolerated by in silico analysis. Since supporting evidence is limited at this time, the clinical significance of this alteration remains unclear.

NM_052947.4(ALPK2):c.1942G>T (p.Asp648Tyr)

Gene: ALPK2 (alpha kinase 2; minus strand). Cytogenetic location: 18q21.31.
Variant type: single nucleotide variant.
Coding change: c.1942G>T on transcript NM_052947.4 (MANE Select); coding-DNA position 1942, G replaced by T.
Protein change: p.Asp648Tyr; replaces aspartic acid 648 with tyrosine.
Molecular consequence: missense variant.
Genome position (GRCh38, 1-based): chr18:58,578,834, C>A on the plus strand (G>T on the coding strand, the complement: ALPK2 is on the minus strand). VCF-style: chr18-58578834-C-A. GRCh37 (hg19) VCF-style: chr18-56246066-C-A.
Other names: short protein forms D648Y.
Identifiers: ClinVar variation 1783076 (VCV001783076.2), dbSNP rs2051937677, ClinGen allele CA402559385.